The following is an entry in ClinVar:

NM_001042681.2(RERE):c.3767T>C (p.Leu1256Pro)

Gene: RERE (arginine-glutamic acid dipeptide repeats; minus strand). Cytogenetic location: 1p36.23.
Variant type: single nucleotide variant.
Coding change: c.3767T>C on transcript NM_001042681.2 (MANE Select); coding-DNA position 3767, T replaced by C.
Protein change: p.Leu1256Pro; replaces leucine 1256 with proline.
Molecular consequence: missense variant.
Genome position (GRCh38, 1-based): chr1:8,358,768, A>G on the plus strand (T>C on the coding strand, the complement: RERE is on the minus strand). VCF-style: chr1-8358768-A-G. GRCh37 (hg19) VCF-style: chr1-8418828-A-G.
Other names: c.2105T>C, p.Leu702Pro (NM_001042682.2); c.3767T>C, p.Leu1256Pro (NM_012102.4); short protein forms L1256P, L702P.
Identifiers: ClinVar variation 422354 (VCV000422354.2), dbSNP rs1064795726, ClinGen allele CA16617195.

ClinVar aggregate classification (germline): Likely pathogenic (1 of 4 stars; one submission).

Submission:

GeneDx
Classification: Likely pathogenic. Last evaluated: 2016-10-06. Review status: criteria provided, single submitter. Criteria: GeneDx Variant Classification (06012015). Collection method: clinical testing. Allele origin: germline. Affected: yes.
Comment: The L1256P variant in the RERE gene has not been reported previously as a pathogenic variant, nor as a benign variant, to our knowledge. This variant was not observed in approximately 6500 individuals of European and African American ancestry in the NHLBI Exome Sequencing Project, indicating it is not a common benign variant in these populations. The L1256P variant is a semi-conservative amino acid substitution, which may impact secondary protein structure as these residues differ in some properties. This substitution occurs at a position that is conserved across species, and in silico analysis predicts this variant is probably damaging to the protein structure/function. The L1256P variant is a strong candidate for a pathogenic variant